The following is an entry in ClinVar:

NM_014362.4(HIBCH):c.1000C>T (p.Gln334Ter)

Gene: HIBCH (3-hydroxyisobutyryl-CoA hydrolase; minus strand). Cytogenetic location: 2q32.2.
Variant type: single nucleotide variant.
Coding change: c.1000C>T on transcript NM_014362.4 (MANE Select); coding-DNA position 1000, C replaced by T.
Protein change: p.Gln334Ter; replaces glutamine 334 with a stop codon.
Molecular consequence: nonsense.
Genome position (GRCh38, 1-based): chr2:190,212,967, G>A on the plus strand (C>T on the coding strand, the complement: HIBCH is on the minus strand). VCF-style: chr2-190212967-G-A. GRCh37 (hg19) VCF-style: chr2-191077693-G-A.
Other names: c.1000C>T, p.Gln334Ter (NM_198047.3); short protein forms Q334*.
Identifiers: ClinVar variation 2979318 (VCV002979318.3), dbSNP rs2468637227, ClinGen allele CA349894216.

ClinVar aggregate classification (germline): Pathogenic (1 of 4 stars; one submission).

Conditions:
3-hydroxyisobutyryl-CoA hydrolase deficiency. Also called: Reduced circulating 3-hydroxyisobutyryl-CoA hydrolase activity; Deficiency of 3-hydroxyisobutyryl CoA hydrolase; HIBCH DEFICIENCY; METHACRYLIC ACID TOXICITY; METHACRYLIC ACIDURIA; VALINE METABOLIC DEFECT. Identifiers: Orphanet 88639, MedGen C0342738, MONDO:0009603, OMIM 250620, HP:6000215.

Allele frequency attached by ClinVar (database versions not stated): gnomAD exomes below 0.00001.

Submission:

Labcorp Genetics (formerly Invitae), Labcorp
Classification: Pathogenic for 3-hydroxyisobutyryl-CoA hydrolase deficiency. Last evaluated: 2023-02-16. Review status: criteria provided, single submitter. Criteria: Invitae Variant Classification Sherloc (09022015). Collection method: clinical testing. Allele origin: germline.
Comment: For these reasons, this variant has been classified as Pathogenic. This sequence change creates a premature translational stop signal (p.Gln334*) in the HIBCH gene. While this is not anticipated to result in nonsense mediated decay, it is expected to disrupt the last 53 amino acid(s) of the HIBCH protein. This variant is not present in population databases (gnomAD no frequency). This variant has not been reported in the literature in individuals affected with HIBCH-related conditions. This variant disrupts a region of the HIBCH protein in which other variant(s) (p.His343Asp) have been determined to be pathogenic (PMID: 33762937; Invitae). This suggests that this is a clinically significant region of the protein, and that variants that disrupt it are likely to be disease-causing.

Literature cited by the submitters: PubMed 33762937.